The following is an entry in ClinVar:

NM_000069.3(CACNA1S):c.2236G>A (p.Glu746Lys)

Gene: CACNA1S (calcium voltage-gated channel subunit alpha1 S; minus strand). Cytogenetic location: 1q32.1.
Variant type: single nucleotide variant.
Coding change: c.2236G>A on transcript NM_000069.3 (MANE Select); coding-DNA position 2236, G replaced by A.
Protein change: p.Glu746Lys; replaces glutamic acid 746 with lysine.
Molecular consequence: missense variant.
Genome position (GRCh38, 1-based): chr1:201,070,396, C>T on the plus strand (G>A on the coding strand, the complement: CACNA1S is on the minus strand). VCF-style: chr1-201070396-C-T. GRCh37 (hg19) VCF-style: chr1-201039524-C-T.
Other names: short protein forms E746K.
Identifiers: ClinVar variation 4527248 (VCV004527248.1).

ClinVar aggregate classification (germline): Uncertain significance (1 of 4 stars; one submission).

gnomAD v4.1: 7 of 1,613,950 alleles (0.00043%); highest among the groups gnomAD compares: African/African-American, 0.0013%; no homozygotes.

Submission:

GeneDx
Classification: Uncertain significance. Last evaluated: 2025-05-01. Review status: criteria provided, single submitter. Criteria: GeneDx Variant Classification Process June 2021. Collection method: clinical testing. Allele origin: germline. Affected: yes.
Comment: In silico analysis supports that this missense variant has a deleterious effect on protein structure/function; Has not been previously published as pathogenic or benign to our knowledge